The following is an entry in ClinVar:

ClinVar aggregate classification (germline): Uncertain significance. Review status: criteria provided, multiple submitters, no conflicts (2 of 4 stars). 2 submissions from 2 submitters: Uncertain significance (2). Last evaluated 2025-06-20.

Allele frequency attached by ClinVar (database versions not stated): TOPMed 0.00012; ESP Exome Variant Server 0.00015; gnomAD 0.00012; ExAC 0.00010.
gnomAD v4.1: 439 of 1,606,454 alleles (0.027%); highest among the groups gnomAD compares: Non-Finnish European, 0.035%; no homozygotes.

Submissions (2):

GeneDx
Classification: Uncertain significance. Last evaluated: 2025-06-20. Review status: criteria provided, single submitter. Criteria: GeneDx Variant Classification Process June 2021. Collection method: clinical testing. Allele origin: germline. Affected: yes.
Comment: In silico analysis suggests that this missense variant does not alter protein structure/function; Has not been previously published as pathogenic or benign to our knowledge

Ambry Genetics
Classification: Uncertain significance. Last evaluated: 2025-05-05. Review status: criteria provided, single submitter. Criteria: Ambry Variant Classification Scheme 2023. Collection method: clinical testing. Allele origin: germline.

NM_022834.5(VWA1):c.287C>T (p.Ala96Val)

Gene: VWA1 (von Willebrand factor A domain containing 1; plus strand). Cytogenetic location: 1p36.33.
Variant type: single nucleotide variant.
Coding change: c.287C>T on transcript NM_022834.5 (MANE Select); coding-DNA position 287, C replaced by T.
Protein change: p.Ala96Val; replaces alanine 96 with valine.
Molecular consequence: missense variant. On other transcripts: intron variant (1).
Genome position (GRCh38, 1-based): chr1:1,437,140, C>T. VCF-style: chr1-1437140-C-T. GRCh37 (hg19) VCF-style: chr1-1372520-C-T.
Other names: c.74-182C>T (NM_199121.3); short protein forms A96V.
Identifiers: ClinVar variation 2291595 (VCV002291595.4), dbSNP rs143505871, ClinGen allele CA523090.
Genomic context (GRCh38, chr1:1,437,140, plus strand): 5'-TGCACGTGGGCAGTCGGCCATACACCGAGTTCCCCTTCGGCCAGCACAGCTCGGGTGAGG[C>T]TGCCCAGGATGCGGTGCGTGCTTCTGCCCAGCGCATGGGTGACACCCACACTGGCCTGGC-3'
Protein context (NP_073745.2, residues 86-106): FPFGQHSSGE[Ala96Val]AQDAVRASAQ